The following is an entry in ClinVar:

NM_005993.5(TBCD):c.1087+4C>A

Gene: TBCD (tubulin folding cofactor D). Cytogenetic location: 17q25.3.
Variant type: single nucleotide variant.
Coding change: c.1087+4C>A on transcript NM_005993.5 (MANE Select); 4 bases into the intron after coding-DNA position 1087, C replaced by A.
Molecular consequence: intron variant.
Genome position (GRCh38, 1-based): chr17:82,806,015, C>A. VCF-style: chr17-82806015-C-A. GRCh37 (hg19) VCF-style: chr17-80763891-C-A.
Other names: c.1087+4C>A (NM_001411102.1, NM_001437989.1); c.1036+4C>A (NM_001411101.1); c.898+4C>A (NM_001438250.1).
Identifiers: ClinVar variation 4715332 (VCV004715332.1).

ClinVar aggregate classification (germline): Uncertain significance (1 of 4 stars; one submission).

Submission:

Labcorp Genetics (formerly Invitae), Labcorp
Classification: Uncertain significance. Last evaluated: 2025-03-27. Review status: criteria provided, single submitter. Criteria: Invitae Variant Classification Sherloc (09022015). Collection method: clinical testing. Allele origin: germline.
Comment: This sequence change falls in intron 10 of the TBCD gene. It does not directly change the encoded amino acid sequence of the TBCD protein. It affects a nucleotide within the consensus splice site. This variant is not present in population databases (gnomAD no frequency). This variant has not been reported in the literature in individuals affected with TBCD-related conditions. Variants that disrupt the consensus splice site are a relatively common cause of aberrant splicing (PMID: 17576681, 9536098). Algorithms developed to predict the effect of sequence changes on RNA splicing suggest that this variant is not likely to affect RNA splicing. In summary, the available evidence is currently insufficient to determine the role of this variant in disease. Therefore, it has been classified as a Variant of Uncertain Significance.

Literature cited by the submitters: PubMed 17576681; PubMed 9536098.